The following is an entry in ClinVar:

NM_002878.4(RAD51D):c.480+6G>A

Genes: RAD51L3-RFFL (RAD51L3-RFFL readthrough; minus strand), RAD51D (RAD51 paralog D; minus strand). Cytogenetic location: 17q12.
Variant type: single nucleotide variant.
Coding change: c.480+6G>A on transcript NM_002878.4 (MANE Select); 6 bases into the intron after coding-DNA position 480, G replaced by A.
Molecular consequence: intron variant.
Genome position (GRCh38, 1-based): chr17:35,106,982, C>T on the plus strand (G>A on the coding strand, the complement: RAD51D is on the minus strand). VCF-style: chr17-35106982-C-T. GRCh37 (hg19) VCF-style: chr17-33434001-C-T.
Other names: c.145-501G>A (NM_133629.3); c.540+6G>A (NM_001142571.2).
Identifiers: ClinVar variation 388549 (VCV000388549.11), dbSNP rs1057523143, ClinGen allele CA16607205.

ClinVar aggregate classification (germline): Likely benign. Review status: criteria provided, multiple submitters, no conflicts (2 of 4 stars). 3 submissions from 3 submitters: Likely benign (3). Last evaluated 2025-06-30.

Conditions:
Breast-ovarian cancer, familial, susceptibility to, 4. Identifiers: Orphanet 145, MedGen C3280345, MONDO:0013669, OMIM 614291.
Hereditary cancer-predisposing syndrome. Also called: Hereditary Cancer Syndrome; Hereditary neoplastic syndrome; Neoplastic Syndromes, Hereditary; Tumor predisposition. Identifiers: Orphanet 140162, MedGen C0027672, MeSH D009386, MONDO:0015356.

Allele frequency attached by ClinVar (database versions not stated): gnomAD exomes 0.00001.
gnomAD v4.1: 12 of 1,614,148 alleles (0.00074%); highest among the groups gnomAD compares: East Asian, 0.0022%; no homozygotes.

Submissions (3):

Labcorp Genetics (formerly Invitae), Labcorp
Classification: Likely benign for Breast-ovarian cancer, familial, susceptibility to, 4. Last evaluated: 2025-06-30. Review status: criteria provided, single submitter. Criteria: Invitae Variant Classification Sherloc (09022015). Collection method: clinical testing. Allele origin: germline.

Color Diagnostics, LLC DBA Color Health
Classification: Likely benign for Hereditary cancer-predisposing syndrome. Last evaluated: 2017-10-06. Review status: criteria provided, single submitter. Criteria: ACMG Guidelines, 2015. Collection method: clinical testing. Allele origin: germline.

GeneDx
Classification: Likely benign. Last evaluated: 2016-08-15. Review status: criteria provided, single submitter. Criteria: GeneDx Variant Classification (06012015). Collection method: clinical testing. Allele origin: germline. Affected: yes.
Comment: This variant is considered likely benign or benign based on one or more of the following criteria: it is a conservative change, it occurs at a poorly conserved position in the protein, it is predicted to be benign by multiple in silico algorithms, and/or has population frequency not consistent with disease.